The following is an entry in ClinVar:

ClinVar aggregate classification (germline): Uncertain significance (1 of 4 stars; one submission).

Submission:

Labcorp Genetics (formerly Invitae), Labcorp
Classification: Uncertain significance. Last evaluated: 2025-02-19. Review status: criteria provided, single submitter. Criteria: Invitae Variant Classification Sherloc (09022015). Collection method: clinical testing. Allele origin: germline.
Comment: This sequence change replaces arginine, which is basic and polar, with cysteine, which is neutral and slightly polar, at codon 169 of the AP2M1 protein (p.Arg169Cys). This variant is not present in population databases (gnomAD no frequency). This variant has not been reported in the literature in individuals affected with AP2M1-related conditions. An algorithm developed to predict the effect of missense changes on protein structure and function (PolyPhen-2) suggests that this variant is likely to be disruptive. In summary, the available evidence is currently insufficient to determine the role of this variant in disease. Therefore, it has been classified as a Variant of Uncertain Significance.

NM_004068.4(AP2M1):c.505C>T (p.Arg169Cys)

Gene: AP2M1 (adaptor related protein complex 2 subunit mu 1; plus strand). Cytogenetic location: 3q27.1.
Variant type: single nucleotide variant.
Coding change: c.505C>T on transcript NM_004068.4 (MANE Select); coding-DNA position 505, C replaced by T.
Protein change: p.Arg169Cys; replaces arginine 169 with cysteine.
Molecular consequence: missense variant.
Genome position (GRCh38, 1-based): chr3:184,180,924, C>T. VCF-style: chr3-184180924-C-T. GRCh37 (hg19) VCF-style: chr3-183898712-C-T.
Other names: c.499C>T, p.Arg167Cys (NM_001025205.2); c.580C>T, p.Arg194Cys (NM_001311198.2); short protein forms R169C, R194C, R167C.
Identifiers: ClinVar variation 4712982 (VCV004712982.1).